The following is an entry in ClinVar:

ClinVar aggregate classification (germline): Likely benign (0 of 4 stars; one submission).

Conditions:
TBC1D1-related disorder. Also called: TBC1D1-related condition.

Allele frequency attached by ClinVar (database versions not stated): gnomAD exomes 0.00010; ExAC 0.00033; 1000 Genomes Project 30x 0.00078; 1000 Genomes Project 0.00080; ESP Exome Variant Server 0.00085; gnomAD 0.00085; TOPMed 0.00098.
gnomAD v4.1: 286 of 1,606,878 alleles (0.018%); highest among the groups gnomAD compares: African/African-American, 0.32%; 2 homozygotes.

Submission:

PreventionGenetics, part of Exact Sciences
Classification: Likely benign for TBC1D1-related condition. Last evaluated: 2020-03-02. Review status: no assertion criteria provided. Collection method: clinical testing. Allele origin: germline.
Comment: This variant is classified as likely benign based on ACMG/AMP sequence variant interpretation guidelines (Richards et al. 2015 PMID: 25741868, with internal and published modifications).

NM_001396959.1(TBC1D1):c.887G>A (p.Gly296Asp)

Gene: TBC1D1 (TBC1 domain family member 1; plus strand). Cytogenetic location: 4p14.
Variant type: single nucleotide variant.
Coding change: c.887G>A on transcript NM_001396959.1 (MANE Select); coding-DNA position 887, G replaced by A.
Protein change: p.Gly296Asp; replaces glycine 296 with aspartic acid.
Molecular consequence: missense variant.
Genome position (GRCh38, 1-based): chr4:38,018,358, G>A. VCF-style: chr4-38018358-G-A. GRCh37 (hg19) VCF-style: chr4-38019979-G-A.
Other names: c.887G>A, p.Gly296Asp (NM_001253912.2, NM_015173.4); short protein forms G296D.
Identifiers: ClinVar variation 3051420 (VCV003051420.2), dbSNP rs145932557, ClinGen allele CA2887551.
Genomic context (GRCh38, chr4:38,018,358, plus strand): 5'-ATAGGTCATGAAATGAGAAAGTTTGAAAAGCTAGATTTTTTTGTTTGTCTTTTAAGATTG[G>A]CCAGTCTGAAGTTTACCTCATCAGTCCTGACACCAAAAAAATAGCATTGGAGAAAAATTT-3'
Protein context (NP_001383888.1, residues 286-306): EENRTMLFTI[Gly296Asp]QSEVYLISPD